The following is an entry in ClinVar:

ClinVar aggregate classification (germline): Uncertain significance. Review status: criteria provided, multiple submitters, no conflicts (2 of 4 stars). 2 submissions from 2 submitters: Uncertain significance (2). Last evaluated 2024-05-14.

Conditions:
DICER1-related tumor predisposition. Also called: DICER1-related pleuropulmonary blastoma cancer predisposition syndrome; DICER1 syndrome. Identifiers: Orphanet 284343, MedGen C3839822, MONDO:0100216.
Hereditary cancer-predisposing syndrome. Also called: Neoplastic Syndromes, Hereditary; Hereditary neoplastic syndrome; Tumor predisposition; Hereditary Cancer Syndrome. Identifiers: Orphanet 140162, MedGen C0027672, MeSH D009386, MONDO:0015356.

Allele frequency attached by ClinVar (database versions not stated): gnomAD exomes below 0.00001.
gnomAD v4.1: 2 of 1,527,682 alleles (0.00013%); highest among the groups gnomAD compares: Non-Finnish European, 0.00018%; no homozygotes.

Submissions (2):

Labcorp Genetics (formerly Invitae), Labcorp
Classification: Uncertain significance for DICER1-related tumor predisposition. Last evaluated: 2024-05-14. Review status: criteria provided, single submitter. Criteria: Invitae Variant Classification Sherloc (09022015). Collection method: clinical testing. Allele origin: germline.
Comment: This sequence change replaces leucine, which is neutral and non-polar, with serine, which is neutral and polar, at codon 297 of the DICER1 protein (p.Leu297Ser). This variant is not present in population databases (gnomAD no frequency). This variant has not been reported in the literature in individuals affected with DICER1-related conditions. ClinVar contains an entry for this variant (Variation ID: 834268). Advanced modeling of protein sequence and biophysical properties (such as structural, functional, and spatial information, amino acid conservation, physicochemical variation, residue mobility, and thermodynamic stability) performed at Invitae indicates that this missense variant is not expected to disrupt DICER1 protein function with a negative predictive value of 80%. In summary, the available evidence is currently insufficient to determine the role of this variant in disease. Therefore, it has been classified as a Variant of Uncertain Significance.

Ambry Genetics
Classification: Uncertain significance for Hereditary cancer-predisposing syndrome. Last evaluated: 2023-11-03. Review status: criteria provided, single submitter. Criteria: Ambry Variant Classification Scheme 2023. Collection method: clinical testing. Allele origin: germline.
Comment: The p.L297S variant (also known as c.890T>C), located in coding exon 6 of the DICER1 gene, results from a T to C substitution at nucleotide position 890. The leucine at codon 297 is replaced by serine, an amino acid with dissimilar properties. This amino acid position is conserved. In addition, the in silico prediction for this alteration is inconclusive. Since supporting evidence is limited at this time, the clinical significance of this alteration remains unclear.

NM_177438.3(DICER1):c.890T>C (p.Leu297Ser)

Gene: DICER1 (dicer 1, ribonuclease III; minus strand). Cytogenetic location: 14q32.13.
Variant type: single nucleotide variant.
Coding change: c.890T>C on transcript NM_177438.3 (MANE Select); coding-DNA position 890, T replaced by C.
Protein change: p.Leu297Ser; replaces leucine 297 with serine.
Molecular consequence: missense variant.
Genome position (GRCh38, 1-based): chr14:95,126,593, A>G on the plus strand (T>C on the coding strand, the complement: DICER1 is on the minus strand). VCF-style: chr14-95126593-A-G. GRCh37 (hg19) VCF-style: chr14-95592930-A-G.
Other names: c.890T>C, p.Leu297Ser (NM_001195573.1, NM_001271282.3, NM_001291628.2 and 1 more transcripts); short protein forms L297S.
Identifiers: ClinVar variation 834268 (VCV000834268.11), dbSNP rs1893477550, ClinGen allele CA390887444.